The following is an entry in ClinVar:

NM_017547.4(FOXRED1):c.430G>A (p.Val144Ile)

Gene: FOXRED1 (FAD dependent oxidoreductase domain containing 1; plus strand). Cytogenetic location: 11q24.2.
Variant type: single nucleotide variant.
Coding change: c.430G>A on transcript NM_017547.4 (MANE Select); coding-DNA position 430, G replaced by A.
Protein change: p.Val144Ile; replaces valine 144 with isoleucine.
Molecular consequence: missense variant. On other transcripts: non-coding transcript variant (2).
Genome position (GRCh38, 1-based): chr11:126,273,348, G>A. VCF-style: chr11-126273348-G-A. GRCh37 (hg19) VCF-style: chr11-126143243-G-A.
Other names: short protein forms V144I.
Identifiers: ClinVar variation 2037800 (VCV002037800.3), dbSNP rs1294862490, ClinGen allele CA383229616.

ClinVar aggregate classification (germline): Uncertain significance (1 of 4 stars; one submission).

Allele frequency attached by ClinVar (database versions not stated): gnomAD exomes 0.00001; TOPMed below 0.00001.

Submission:

Labcorp Genetics (formerly Invitae), Labcorp
Classification: Uncertain significance. Last evaluated: 2024-10-24. Review status: criteria provided, single submitter. Criteria: Invitae Variant Classification Sherloc (09022015). Collection method: clinical testing. Allele origin: germline.
Comment: This sequence change replaces valine, which is neutral and non-polar, with isoleucine, which is neutral and non-polar, at codon 144 of the FOXRED1 protein (p.Val144Ile). This variant is present in population databases (no rsID available, gnomAD 0.006%). This variant has not been reported in the literature in individuals affected with FOXRED1-related conditions. ClinVar contains an entry for this variant (Variation ID: 2037800). Invitae Evidence Modeling of protein sequence and biophysical properties (such as structural, functional, and spatial information, amino acid conservation, physicochemical variation, residue mobility, and thermodynamic stability) has been performed for this missense variant. However, the output from this modeling did not meet the statistical confidence thresholds required to predict the impact of this variant on FOXRED1 protein function. In summary, the available evidence is currently insufficient to determine the role of this variant in disease. Therefore, it has been classified as a Variant of Uncertain Significance.